The following is an entry in ClinVar:

ClinVar aggregate classification (germline): Conflicting classifications of pathogenicity. Review status: criteria provided, conflicting classifications (1 of 4 stars). 6 submissions from 6 submitters: Uncertain significance (2); Benign (1); Likely benign (3). Last evaluated 2026-02-01.

Conditions:
Charcot-Marie-Tooth disease. Also called: Charcot-Marie-Tooth Neuropathy; Charcot-Marie-Tooth Hereditary Neuropathy. Identifiers: Orphanet 166, MedGen C0007959, MONDO:0015626.
PRX-related disorder. Also called: PRX-Related Disorders; PRX-related condition.
Charcot-Marie-Tooth disease type 4. Also called: Charcot-Marie-Tooth disease, type IV; Charcot-Marie-Tooth, Type 4. Identifiers: Orphanet 64749, MedGen C4082197, MONDO:0018995.
Charcot-Marie-Tooth disease type 4F. Also called: Charcot-Marie-Tooth disease, demyelinating, type 4F. Identifiers: Orphanet 99952, MedGen C3540453, MONDO:0013959, OMIM 614895.
Inborn genetic diseases. Identifiers: MedGen C0950123, MeSH D030342.

Allele frequency attached by ClinVar (database versions not stated): gnomAD 0.00001 and 0.00008; TOPMed 0.00003; gnomAD exomes 0.00017 and 0.00035; ExAC 0.00046.
gnomAD v4.1: 257 of 1,610,048 alleles (0.016%); highest among the groups gnomAD compares: South Asian, 0.25%; 4 homozygotes.

Submissions (6):

CeGaT Center for Human Genetics Tuebingen
Classification: Likely benign. Last evaluated: 2026-02-01. Review status: criteria provided, single submitter. Criteria: CeGaT Center For Human Genetics Tuebingen Variant Classification Criteria Version 2. Collection method: clinical testing. Allele origin: germline. Affected: yes. Observed: 1 variant allele.
Comment: PRX: BP4

PreventionGenetics, part of Exact Sciences
Classification: Likely benign for PRX-related condition. Last evaluated: 2025-07-10. Review status: criteria provided, single submitter. Criteria: ACMG Guidelines, 2015. Collection method: clinical testing. Allele origin: germline.
Comment: This variant is classified as likely benign based on ACMG/AMP sequence variant interpretation guidelines (Richards et al. 2015 PMID: 25741868, with internal and published modifications).

Labcorp Genetics (formerly Invitae), Labcorp
Classification: Benign for Charcot-Marie-Tooth disease type 4. Last evaluated: 2025-04-29. Review status: criteria provided, single submitter. Criteria: Invitae Variant Classification Sherloc (09022015). Collection method: clinical testing. Allele origin: germline.

Ambry Genetics
Classification: Likely benign for Inborn genetic diseases. Last evaluated: 2023-10-25. Review status: criteria provided, single submitter. Criteria: Ambry Variant Classification Scheme 2023. Collection method: clinical testing. Allele origin: germline.

Illumina Laboratory Services, Illumina
Classification: Uncertain significance for Charcot-Marie-Tooth disease type 4F. Last evaluated: 2018-01-12. Review status: criteria provided, single submitter. Criteria: ICSL Variant Classification Criteria 13 December 2019. Collection method: clinical testing. Allele origin: germline.

Molecular Genetics Laboratory, London Health Sciences Centre
Classification: Uncertain significance for Charcot-Marie-Tooth disease. Review status: criteria provided, single submitter. Criteria: ACMG Guidelines, 2015. Collection method: clinical testing. Allele origin: germline. Affected: yes.

NM_181882.3(PRX):c.944G>A (p.Arg315Gln)

Gene: PRX (periaxin; minus strand). Cytogenetic location: 19q13.2.
Variant type: single nucleotide variant.
Coding change: c.944G>A on transcript NM_181882.3 (MANE Select); coding-DNA position 944, G replaced by A.
Protein change: p.Arg315Gln; replaces arginine 315 with glutamine.
Molecular consequence: missense variant. On other transcripts: 3 prime UTR variant (1).
Genome position (GRCh38, 1-based): chr19:40,397,408, C>T on the plus strand (G>A on the coding strand, the complement: PRX is on the minus strand). VCF-style: chr19-40397408-C-T. GRCh37 (hg19) VCF-style: chr19-40903315-C-T.
Other names: c.*1149G>A (NM_020956.2); short protein forms R315Q.
Identifiers: ClinVar variation 700201 (VCV000700201.21), dbSNP rs577197549, ClinGen allele CA9444354.